The following is an entry in ClinVar:

ClinVar aggregate classification (germline): Uncertain significance (1 of 4 stars; one submission).

Allele frequency attached by ClinVar (database versions not stated): gnomAD exomes 0.00001; ExAC 0.00002.
gnomAD v4.1: 7 of 1,586,690 alleles (0.00044%); highest among the groups gnomAD compares: South Asian, 0.0067%; no homozygotes.

Submission:

Labcorp Genetics (formerly Invitae), Labcorp
Classification: Uncertain significance. Last evaluated: 2021-11-26. Review status: criteria provided, single submitter. Criteria: Invitae Variant Classification Sherloc (09022015). Collection method: clinical testing. Allele origin: germline.
Comment: This variant has not been reported in the literature in individuals affected with MYLK3-related conditions. Algorithms developed to predict the effect of missense changes on protein structure and function output the following: SIFT: "Tolerated"; PolyPhen-2: "Benign"; Align-GVGD: "Class C0". The threonine amino acid residue is found in multiple mammalian species, which suggests that this missense change does not adversely affect protein function. In summary, the available evidence is currently insufficient to determine the role of this variant in disease. Therefore, it has been classified as a Variant of Uncertain Significance. This variant is present in population databases (rs753404471, gnomAD 0.01%). This sequence change replaces proline, which is neutral and non-polar, with threonine, which is neutral and polar, at codon 358 of the MYLK3 protein (p.Pro358Thr).

NM_182493.3(MYLK3):c.1072C>A (p.Pro358Thr)

Gene: MYLK3 (myosin light chain kinase 3; minus strand). Cytogenetic location: 16q11.2.
Variant type: single nucleotide variant.
Coding change: c.1072C>A on transcript NM_182493.3 (MANE Select); coding-DNA position 1072, C replaced by A.
Protein change: p.Pro358Thr; replaces proline 358 with threonine.
Molecular consequence: missense variant.
Genome position (GRCh38, 1-based): chr16:46,732,598, G>T on the plus strand (C>A on the coding strand, the complement: MYLK3 is on the minus strand). VCF-style: chr16-46732598-G-T. GRCh37 (hg19) VCF-style: chr16-46766510-G-T.
Other names: c.49C>A, p.Pro17Thr (NM_001308301.1); short protein forms P17T, P358T.
Identifiers: ClinVar variation 1492194 (VCV001492194.6), dbSNP rs753404471, ClinGen allele CA8038079.